The following is an entry in ClinVar:

ClinVar aggregate classification (germline): Uncertain significance. Review status: criteria provided, multiple submitters, no conflicts (2 of 4 stars). 2 submissions from 2 submitters: Uncertain significance (2). Last evaluated 2023-06-29.

Conditions:
Hereditary spastic paraplegia 39 (SPG39). Also called: Spastic Paraplegia Type 39 (SPG39); SPASTIC PARAPLEGIA 39, AUTOSOMAL RECESSIVE. Identifiers: Orphanet 139480, MedGen C2677586, MONDO:0012787, OMIM 612020.

gnomAD v4.1: 7 of 1,025,148 alleles (0.00068%); highest among the groups gnomAD compares: Non-Finnish European, 0.00082%; no homozygotes.

Submissions (2):

GeneDx
Classification: Uncertain significance. Last evaluated: 2023-06-29. Review status: criteria provided, single submitter. Criteria: GeneDx Variant Classification Process June 2021. Collection method: clinical testing. Allele origin: germline. Affected: yes.
Comment: Not observed at significant frequency in large population cohorts (gnomAD); In silico analysis is inconclusive as to whether the variant alters gene splicing. In the absence of RNA/functional studies, the actual effect of this sequence change is unknown.; Has not been previously published as pathogenic or benign to our knowledge

Labcorp Genetics (formerly Invitae), Labcorp
Classification: Uncertain significance for Hereditary spastic paraplegia 39. Last evaluated: 2022-08-16. Review status: criteria provided, single submitter. Criteria: Invitae Variant Classification Sherloc (09022015). Collection method: clinical testing. Allele origin: germline.
Comment: This variant has not been reported in the literature in individuals affected with PNPLA6-related conditions. In summary, the available evidence is currently insufficient to determine the role of this variant in disease. Therefore, it has been classified as a Variant of Uncertain Significance. Variants that disrupt the consensus splice site are a relatively common cause of aberrant splicing (PMID: 17576681, 9536098). Algorithms developed to predict the effect of sequence changes on RNA splicing suggest that this variant may disrupt the consensus splice site. This variant is not present in population databases (gnomAD no frequency). This sequence change falls in intron 26 of the PNPLA6 gene. It does not directly change the encoded amino acid sequence of the PNPLA6 protein. It affects a nucleotide within the consensus splice site.

Literature cited by the submitters: PubMed 17576681 (cited by Labcorp Genetics (formerly Invitae), Labcorp); PubMed 9536098 (cited by Labcorp Genetics (formerly Invitae), Labcorp).

NM_001166114.2(PNPLA6):c.2936+4A>T

Gene: PNPLA6 (patatin like domain 6, lysophospholipase; plus strand). Cytogenetic location: 19p13.2.
Variant type: single nucleotide variant.
Coding change: c.2936+4A>T on transcript NM_001166114.2 (MANE Select); 4 bases into the intron after coding-DNA position 2936, A replaced by T.
Molecular consequence: intron variant.
Genome position (GRCh38, 1-based): chr19:7,555,371, A>T. VCF-style: chr19-7555371-A-T. GRCh37 (hg19) VCF-style: chr19-7620257-A-T.
Other names: c.2822+4A>T (NM_006702.5, NM_001166113.1); c.2741+4A>T (NM_001166112.2); c.2966+4A>T (NM_001166111.2).
Identifiers: ClinVar variation 2047807 (VCV002047807.5), dbSNP rs1163436776, ClinGen allele CA884238771.